The following is an entry in ClinVar:

ClinVar aggregate classification (germline): Likely benign (1 of 4 stars; one submission).

Allele frequency attached by ClinVar (database versions not stated): ESP Exome Variant Server 0.00091; gnomAD 0.00106; 1000 Genomes Project 0.00240; 1000 Genomes Project 30x 0.00250; ExAC 0.00252.
gnomAD v4.1: 1,990 of 1,608,076 alleles (0.12%); highest among the groups gnomAD compares: Middle Eastern, 0.83%; 8 homozygotes.

Submission:

CeGaT Center for Human Genetics Tuebingen
Classification: Likely benign. Last evaluated: 2022-07-01. Review status: criteria provided, single submitter. Criteria: CeGaT Center For Human Genetics Tuebingen Variant Classification Criteria Version 2. Collection method: clinical testing. Allele origin: germline. Affected: yes. Observed: 1 variant allele.
Comment: YLPM1: BP4, BP7

NM_019589.3(YLPM1):c.4533G>A (p.Ser1511=)

Gene: YLPM1 (YLP motif containing 1; plus strand). Cytogenetic location: 14q24.3.
Variant type: single nucleotide variant.
Coding change: c.4533G>A on transcript NM_019589.3 (MANE Select); coding-DNA position 4533, G replaced by A.
Protein change: p.Ser1511=; no amino-acid change (serine 1511 retained).
Molecular consequence: synonymous variant.
Genome position (GRCh38, 1-based): chr14:74,809,391, G>A. VCF-style: chr14-74809391-G-A. GRCh37 (hg19) VCF-style: chr14-75276094-G-A.
Other names: c.2415G>A, p.Ser805= (NM_001411052.1).
Identifiers: ClinVar variation 2644372 (VCV002644372.24), dbSNP rs200709209, ClinGen allele CA7272304.